The following is an entry in ClinVar:

ClinVar aggregate classification (germline): Uncertain significance. Review status: criteria provided, multiple submitters, no conflicts (2 of 4 stars). 2 submissions from 2 submitters: Uncertain significance (2). Last evaluated 2026-09-02.

Conditions:
Hereditary cancer-predisposing syndrome. Also called: Hereditary Cancer Syndrome; Neoplastic Syndromes, Hereditary; Tumor predisposition; Hereditary neoplastic syndrome. Identifiers: Orphanet 140162, MedGen C0027672, MeSH D009386, MONDO:0015356.
Ataxia-telangiectasia syndrome (AT). Also called: Cerebello-oculocutaneous telangiectasia; Immunodeficiency with ataxia telangiectasia; Ataxia-telangiectasia, complementation group E; Ataxia-telangiectasia, complementation group D; AT, COMPLEMENTATION GROUP C; ATAXIA-TELANGIECTASIA, COMPLEMENTATION GROUP A. Identifiers: Orphanet 100, MedGen C0004135, MONDO:0008840, OMIM 208900.

Submissions (2):

Ambry Genetics
Classification: Uncertain significance for Hereditary cancer-predisposing syndrome. Last evaluated: 2026-09-02. Review status: criteria provided, single submitter. Criteria: Ambry Variant Classification Scheme 2023. Collection method: clinical testing. Allele origin: germline.
Comment: The p.R2428G variant (also known as c.7282A>G), located in coding exon 48 of the ATM gene, results from an A to G substitution at nucleotide position 7282. The arginine at codon 2428 is replaced by glycine, an amino acid with dissimilar properties. In an assay testing ATM function, this variant showed a functionally indeterminant result (Lee KS et al. Cell, 2025 Sep;188:5081-5099.e27). This amino acid position is not well conserved in available vertebrate species. In addition, the in silico prediction for this alteration is inconclusive. Based on the available evidence, the clinical significance of this variant remains unclear.

Labcorp Genetics (formerly Invitae), Labcorp
Classification: Uncertain significance for Ataxia-telangiectasia syndrome. Last evaluated: 2025-08-04. Review status: criteria provided, single submitter. Criteria: Invitae Variant Classification Sherloc (09022015). Collection method: clinical testing. Allele origin: germline.
Comment: This sequence change replaces arginine, which is basic and polar, with glycine, which is neutral and non-polar, at codon 2428 of the ATM protein (p.Arg2428Gly). This variant is not present in population databases (gnomAD no frequency). This variant has not been reported in the literature in individuals affected with ATM-related conditions. ClinVar contains an entry for this variant (Variation ID: 571140). Invitae Evidence Modeling of protein sequence and biophysical properties (such as structural, functional, and spatial information, amino acid conservation, physicochemical variation, residue mobility, and thermodynamic stability) indicates that this missense variant is not expected to disrupt ATM protein function with a negative predictive value of 95%. In summary, the available evidence is currently insufficient to determine the role of this variant in disease. Therefore, it has been classified as a Variant of Uncertain Significance.

Literature cited by the submitters: PubMed 40580951 (cited by Ambry Genetics).

NM_000051.4(ATM):c.7282A>G (p.Arg2428Gly)

Genes: ATM (ATM serine/threonine kinase; plus strand), C11orf65 (chromosome 11 open reading frame 65; minus strand). Cytogenetic location: 11q22.3.
Variant type: single nucleotide variant.
Coding change: c.7282A>G on transcript NM_000051.4 (MANE Select); coding-DNA position 7282, A replaced by G.
Protein change: p.Arg2428Gly; replaces arginine 2428 with glycine.
Molecular consequence: missense variant. On other transcripts: intron variant (2).
Genome position (GRCh38, 1-based): chr11:108,329,213, A>G. VCF-style: chr11-108329213-A-G. GRCh37 (hg19) VCF-style: chr11-108199940-A-G.
Other names: c.7282A>G, p.Arg2428Gly (NM_001351834.2); c.641-20142T>C (NM_001330368.2); c.*38+6007T>C (NM_001351110.2); short protein forms R2428G.
Identifiers: ClinVar variation 571140 (VCV000571140.10), dbSNP rs1555122281, ClinGen allele CA382559788.